The following is an entry in ClinVar:

ClinVar aggregate classification (germline): Uncertain significance. Review status: criteria provided, multiple submitters, no conflicts (2 of 4 stars). 2 submissions from 2 submitters: Uncertain significance (2). Last evaluated 2023-10-20.

Conditions:
Familial thoracic aortic aneurysm and aortic dissection (TAAD). Also called: Thoracic aortic aneurysms and dissections. Identifiers: Orphanet 91387, MedGen C4707243, MONDO:0019625.

Allele frequency attached by ClinVar (database versions not stated): gnomAD exomes below 0.00001.
gnomAD v4.1: 2 of 1,610,802 alleles (0.00012%); highest among the groups gnomAD compares: Non-Finnish European, 0.00017%; no homozygotes.

Submissions (2):

Ambry Genetics
Classification: Uncertain significance for Familial thoracic aortic aneurysm and aortic dissection. Last evaluated: 2023-10-20. Review status: criteria provided, single submitter. Criteria: Ambry Variant Classification Scheme 2023. Collection method: clinical testing. Allele origin: germline.
Comment: The p.C1322R variant (also known as c.3964T>C), located in coding exon 24 of the NOTCH1 gene, results from a T to C substitution at nucleotide position 3964. The cysteine at codon 1322 is replaced by arginine, an amino acid with highly dissimilar properties. This amino acid position is conserved. In addition, this alteration is predicted to be deleterious by in silico analysis. Since supporting evidence is limited at this time, the clinical significance of this alteration remains unclear.

Blueprint Genetics
Classification: Uncertain significance. Last evaluated: 2021-04-14. Review status: criteria provided, single submitter. Criteria: ACMG Guidelines, 2015. Collection method: clinical testing. Allele origin: germline.

NM_017617.5(NOTCH1):c.3964T>C (p.Cys1322Arg)

Gene: NOTCH1 (notch receptor 1; minus strand). Cytogenetic location: 9q34.3.
Variant type: single nucleotide variant.
Coding change: c.3964T>C on transcript NM_017617.5 (MANE Select); coding-DNA position 3964, T replaced by C.
Protein change: p.Cys1322Arg; replaces cysteine 1322 with arginine.
Molecular consequence: missense variant.
Genome position (GRCh38, 1-based): chr9:136,506,577, A>G on the plus strand (T>C on the coding strand, the complement: NOTCH1 is on the minus strand). VCF-style: chr9-136506577-A-G. GRCh37 (hg19) VCF-style: chr9-139401029-A-G.
Other names: short protein forms C1322R.
Identifiers: ClinVar variation 3226962 (VCV003226962.2), dbSNP rs2133342565, ClinGen allele CA375548788.